The following is an entry in ClinVar:

NM_182931.3(KMT2E):c.5444C>T (p.Pro1815Leu)

Gene: KMT2E (lysine methyltransferase 2E (inactive); plus strand). Cytogenetic location: 7q22.3.
Variant type: single nucleotide variant.
Coding change: c.5444C>T on transcript NM_182931.3 (MANE Select); coding-DNA position 5444, C replaced by T.
Protein change: p.Pro1815Leu; replaces proline 1815 with leucine.
Molecular consequence: missense variant.
Genome position (GRCh38, 1-based): chr7:105,113,200, C>T. VCF-style: chr7-105113200-C-T. GRCh37 (hg19) VCF-style: chr7-104753647-C-T.
Other names: c.5318C>T, p.Pro1773Leu (NM_001410908.1); c.5444C>T, p.Pro1815Leu (NM_018682.4); short protein forms P1773L, P1815L.
Identifiers: ClinVar variation 2664237 (VCV002664237.1), dbSNP rs775751454, ClinGen allele CA4424986.

ClinVar aggregate classification (germline): Uncertain significance (1 of 4 stars; one submission).

Conditions:
O'Donnell-Luria-Rodan syndrome (ODLURO). Also called: KMT2E-Related Neurodevelopmental Disorder. Identifiers: MedGen C5193138, MONDO:0032793, OMIM 618512.

Allele frequency attached by ClinVar (database versions not stated): ExAC 0.00001; gnomAD 0.00001; gnomAD exomes 0.00001.
gnomAD v4.1: 16 of 1,614,222 alleles (0.00099%); highest among the groups gnomAD compares: South Asian, 0.013%; no homozygotes.

Submission:

Neuberg Centre For Genomic Medicine, NCGM
Classification: Uncertain significance for O'Donnell-Luria-Rodan syndrome. Last evaluated: 2023-01-24. Review status: criteria provided, single submitter. Criteria: ACMG Guidelines, 2015. Collection method: clinical testing. Allele origin: germline. Inheritance: Autosomal dominant inheritance. Affected: yes.
Comment: The missense c.5444C>T (p.Pro1815Leu) variant in KMT2E gene has not been reported previously as a pathogenic variant nor as a benign variant, to our knowledge. The p.Pro1815Leu variant is reported with an allele frequency of 0.001% in the gnomAD exomes database and is novel (not in any individuals) in 1000 Genomes database. This variant has not been reported to the ClinVar database. The amino acid change p.Pro1815Leu in KMT2E is predicted as conserved by GERP++ and PhyloP across 100 vertebrates. The amino acid Pro at position 1815 is changed to a Leu changing protein sequence and it might alter its composition and physico-chemical properties. For these reasons, this variant has been classified as a Variant of Uncertain Significance (VUS).